The following is an entry in ClinVar:

NM_007294.4(BRCA1):c.5489C>G (p.Ala1830Gly)

Gene: BRCA1 (BRCA1 DNA repair associated; minus strand). Cytogenetic location: 17q21.31.
Variant type: single nucleotide variant.
Coding change: c.5489C>G on transcript NM_007294.4 (MANE Select); coding-DNA position 5489, C replaced by G.
Protein change: p.Ala1830Gly; replaces alanine 1830 with glycine.
Molecular consequence: missense variant. On other transcripts: 3 prime UTR variant (1), non-coding transcript variant (1).
Genome position (GRCh38, 1-based): chr17:43,045,781, G>C on the plus strand (C>G on the coding strand, the complement: BRCA1 is on the minus strand). VCF-style: chr17-43045781-G-C. GRCh37 (hg19) VCF-style: chr17-41197798-G-C.
Other names: c.2051C>G, p.Ala684Gly (NM_001408448.1, NM_001408450.1, NM_001408445.1 and 2 more transcripts); c.2045C>G, p.Ala682Gly (NM_001408451.1); c.2039C>G, p.Ala680Gly (NM_001408452.1, NM_001408453.1, NM_001408454.1 and 3 more transcripts); c.2036C>G, p.Ala679Gly (NM_001408458.1, NM_001408459.1, NM_001408460.1 and 7 more transcripts); c.4601C>G, p.Ala1534Gly (NM_001407966.1); c.4598C>G, p.Ala1533Gly (NM_001407967.1); c.2885C>G, p.Ala962Gly (NM_001407968.1); c.2882C>G, p.Ala961Gly (NM_001407969.1); and 74 more; short protein forms A1830G, A1851G, A1783G, A726G, A1718G, A1758G, A1759G, A1782G.
Identifiers: ClinVar variation 864933 (VCV000864933.5), dbSNP rs2050883748, ClinGen allele CA10590325.

ClinVar aggregate classification (germline): Uncertain significance (1 of 4 stars; one submission).

Conditions:
BRCA1-related cancer predisposition. Identifiers: MedGen CN377757, MONDO:0700268.

Submissions (2):

Dasa
Classification: Uncertain significance for BRCA1-related cancer predisposition. Last evaluated: 2025-11-10. Review status: criteria provided, single submitter. Criteria: DASA Assertion Criteria. Collection method: clinical testing. Allele origin: germline.
Comment: NM_007294.4(BRCA1):c.5489C>G (p.Ala1830Gly) is a missense variant that results in the substitution of alanine with glycine. This variant is absent from population databases. The currently available literature and clinical evidence are not sufficient to establish a definitive association between this variant and the reported condition. Therefore, this variant is classified as a variant of uncertain significance.

Brotman Baty Institute, University of Washington
No classification provided (evidence only). Condition: Breast-ovarian cancer, familial 1. Review status: no classification provided. Collection method: in vitro. Allele origin: not applicable. Functional consequence: function_uncertain_variant. Not counted in ClinVar's aggregate classification.
ClinVar note: "not provided" was previously submitted as the classification for the variant. However, the classification appeared to be based only on an observation of functional data so it was converted to no classification on 2025-07-30.